The following is an entry in ClinVar:

ClinVar aggregate classification (germline): Pathogenic. Review status: reviewed by expert panel (3 of 4 stars). 2 submissions from 2 submitters: Pathogenic (1). 1 of the submissions does not count toward it. Last evaluated 2016-10-18.

Conditions:
Breast-ovarian cancer, familial, susceptibility to, 2 (BROVCA2). Also called: BRCA2 Hereditary Breast and Ovarian Cancer. Identifiers: Orphanet 145, MedGen C2675520, MONDO:0012933, OMIM 612555. Disease mechanism: loss of function.

Submissions (2):

Evidence-based Network for the Interpretation of Germline Mutant Alleles (ENIGMA)
Classification: Pathogenic for Breast-ovarian cancer, familial, susceptibility to, 2. Last evaluated: 2016-10-18. Review status: reviewed by expert panel. Criteria: ENIGMA BRCA1/2 Classification Criteria (2015). Collection method: curation. Allele origin: germline.
Comment: Variant allele predicted to encode a truncated non-functional protein.

Consortium of Investigators of Modifiers of BRCA1/2 (CIMBA), c/o University of Cambridge
Classification: Pathogenic for Breast-ovarian cancer, familial, susceptibility to, 2. Last evaluated: 2015-10-02. Review status: criteria provided, single submitter. Criteria: CIMBA Mutation Classification guidelines May 2016. Collection method: clinical testing. Allele origin: germline. Not counted in ClinVar's aggregate classification.

NM_000059.4(BRCA2):c.8941del (p.Glu2981fs)

Gene: BRCA2 (BRCA2 DNA repair associated; plus strand). Cytogenetic location: 13q13.1.
Variant type: Deletion.
Coding change: c.8941del on transcript NM_000059.4 (MANE Select); coding-DNA position 8941, one base deleted (G; older notation c.8941delG).
Protein change: p.Glu2981fs; shifts the reading frame from glutamic acid 2981.
Molecular consequence: frameshift variant.
Genome position (GRCh38, 1-based): chr13:32,379,503, G deleted. VCF-style (leftmost placement, unchanged base first): chr13-32379502-AG-A. GRCh37 (hg19) VCF-style: chr13-32953639-AG-A.
Other names: 9169delG; short protein forms E2981fs.
Identifiers: ClinVar variation 267120 (VCV000267120.7), dbSNP rs886040804, ClinGen allele CA10589530.